The following is an entry in ClinVar:

ClinVar aggregate classification (germline): Likely pathogenic. Review status: criteria provided, multiple submitters, no conflicts (2 of 4 stars). 5 submissions from 5 submitters: Likely pathogenic (5). Last evaluated 2025-11-22.

Conditions:
Sucrase-isomaltase deficiency (CSID). Also called: Deficiency of isomaltase; Congenital sucrose isomaltose malabsorption; Sucrose isomaltose enzyme deficiency; SI DEFICIENCY. Identifiers: Orphanet 35122, MedGen C1283620, MONDO:0009114, OMIM 222900.

Allele frequency attached by ClinVar (database versions not stated): gnomAD 0.00002; gnomAD exomes 0.00004; ExAC 0.00005; TOPMed 0.00005.
gnomAD v4.1: 44 of 1,152,496 alleles (0.0038%); highest among the groups gnomAD compares: South Asian, 0.0051%; no homozygotes.

Submissions (5):

Labcorp Genetics (formerly Invitae), Labcorp
Classification: Likely pathogenic. Last evaluated: 2025-11-22. Review status: criteria provided, single submitter. Criteria: Invitae Variant Classification Sherloc (09022015). Collection method: clinical testing. Allele origin: germline.
Comment: This sequence change affects a donor splice site in intron 39 of the SI gene. It is expected to disrupt RNA splicing. Variants that disrupt the donor or acceptor splice site typically lead to a loss of protein function (PMID: 16199547), and loss-of-function variants in SI are known to be pathogenic (PMID: 16329100, 23103650, 25452324). This variant is present in population databases (rs754961413, gnomAD 0.01%). Disruption of this splice site has been observed in individual(s) with diarrhea (PMID: 38682389). ClinVar contains an entry for this variant (Variation ID: 2192484). Algorithms developed to predict the effect of sequence changes on RNA splicing suggest that this variant may disrupt the consensus splice site. In summary, the currently available evidence indicates that the variant is pathogenic, but additional data are needed to prove that conclusively. Therefore, this variant has been classified as Likely Pathogenic.

Women's Health and Genetics/Laboratory Corporation of America, LabCorp
Classification: Likely pathogenic for Sucrase-isomaltase deficiency. Last evaluated: 2025-10-23. Review status: criteria provided, single submitter. Criteria: LabCorp Variant Classification Summary - May 2015. Collection method: clinical testing. Allele origin: germline.
Comment: Variant summary: SI c.4575+2T>C is located in a canonical splice-site and is predicted to affect mRNA splicing resulting in a significantly altered protein due to either exon skipping, shortening, or inclusion of intronic material. Variants that disrupt the consensus splice site are a relatively common cause of aberrant splicing and loss of SI function. Computational tools predict a significant impact on normal splicing: Two predict the variant abolishes a canonical 5' splicing donor site. One predicts the variant no significant impact on splicing. However, these predictions have yet to be confirmed by functional studies. The variant allele was found at a frequency of 5.1e-05 in 215718 control chromosomes (gnomAD). This frequency is not significantly higher than estimated for disease-causing variants in SI, allowing no conclusion about variant significance. c.4575+2T>C has been observed in an individuals affected with features of Sucrase-Isomaltase Deficiency (Akcan_2024). To our knowledge, no experimental evidence demonstrating an impact on protein function has been reported. The following publication has been ascertained in the context of this evaluation (PMID: 38682389). ClinVar contains an entry for this variant (Variation ID: 2192484). Based on the evidence outlined above, the variant was classified as likely pathogenic.

First Genomix Gene Laboratory, Genetic Diagnostics Department
Classification: Likely pathogenic for Sucrase-isomaltase deficiency. Last evaluated: 2025-07-25. Review status: criteria provided, single submitter. Criteria: ACMG Guidelines, 2015. Collection method: clinical testing. Allele origin: germline. Inheritance: Autosomal recessive inheritance. Affected: no. Observed: 1 variant allele.

Genomic Medicine Center of Excellence, King Faisal Specialist Hospital and Research Centre
Classification: Likely pathogenic for Sucrase-isomaltase deficiency. Last evaluated: 2024-03-26. Review status: criteria provided, single submitter. Criteria: ACMG Guidelines, 2015. Collection method: clinical testing. Allele origin: germline.

Fulgent Genetics
Classification: Likely pathogenic for Sucrase-isomaltase deficiency. Last evaluated: 2024-02-27. Review status: criteria provided, single submitter. Criteria: ACMG Guidelines, 2015. Collection method: clinical testing. Allele origin: germline.

Literature cited by the submitters: PubMed 16199547 (cited by Labcorp Genetics (formerly Invitae), Labcorp); PubMed 16329100 (cited by Labcorp Genetics (formerly Invitae), Labcorp); PubMed 23103650 (cited by Labcorp Genetics (formerly Invitae), Labcorp); PubMed 25452324 (cited by Labcorp Genetics (formerly Invitae), Labcorp); PubMed 38682389 (cited by Labcorp Genetics (formerly Invitae), Labcorp and Women's Health and Genetics/Laboratory Corporation of America, LabCorp).

NM_001041.4(SI):c.4575+2T>C

Gene: SI (sucrase-isomaltase; minus strand). Cytogenetic location: 3q26.1.
Variant type: single nucleotide variant.
Coding change: c.4575+2T>C on transcript NM_001041.4 (MANE Select); the canonical splice donor site of the intron after coding-DNA position 4575, T replaced by C.
Molecular consequence: splice donor variant.
Genome position (GRCh38, 1-based): chr3:164,996,736, A>G on the plus strand (T>C on the coding strand, the complement: SI is on the minus strand). VCF-style: chr3-164996736-A-G. GRCh37 (hg19) VCF-style: chr3-164714524-A-G.
Identifiers: ClinVar variation 2192484 (VCV002192484.8), dbSNP rs754961413, ClinGen allele CA2689872.